The following is an entry in ClinVar:

ClinVar aggregate classification (germline): Likely benign (1 of 4 stars; one submission).

Allele frequency attached by ClinVar (database versions not stated): gnomAD 0.00005; TOPMed 0.00005; ExAC 0.00007; gnomAD exomes 0.00007.
gnomAD v4.1: 105 of 1,614,058 alleles (0.0065%); highest among the groups gnomAD compares: Non-Finnish European, 0.0077%; no homozygotes.

Submission:

CeGaT Center for Human Genetics Tuebingen
Classification: Likely benign. Last evaluated: 2024-06-01. Review status: criteria provided, single submitter. Criteria: CeGaT Center For Human Genetics Tuebingen Variant Classification Criteria Version 2. Collection method: clinical testing. Allele origin: germline. Affected: yes. Observed: 1 variant allele.
Comment: CNOT3: BP4, BP7

NM_014516.4(CNOT3):c.1788G>A (p.Ser596=)

Gene: CNOT3 (CCR4-NOT transcription complex subunit 3; plus strand). Cytogenetic location: 19q13.42.
Variant type: single nucleotide variant.
Coding change: c.1788G>A on transcript NM_014516.4 (MANE Select); coding-DNA position 1788, G replaced by A.
Protein change: p.Ser596=; no amino-acid change (serine 596 retained).
Molecular consequence: synonymous variant.
Genome position (GRCh38, 1-based): chr19:54,152,510, G>A. VCF-style: chr19-54152510-G-A. GRCh37 (hg19) VCF-style: chr19-54656247-G-A.
Identifiers: ClinVar variation 3250592 (VCV003250592.18), dbSNP rs765742054.